The following is an entry in ClinVar:

NM_001135649.3(FOXI3):c.322C>A (p.Pro108Thr)

Gene: FOXI3 (forkhead box I3; minus strand). Cytogenetic location: 2p11.2.
Variant type: single nucleotide variant.
Coding change: c.322C>A on transcript NM_001135649.3 (MANE Select); coding-DNA position 322, C replaced by A.
Protein change: p.Pro108Thr; replaces proline 108 with threonine.
Molecular consequence: missense variant.
Genome position (GRCh38, 1-based): chr2:88,452,214, G>T on the plus strand (C>A on the coding strand, the complement: FOXI3 is on the minus strand). VCF-style: chr2-88452214-G-T. GRCh37 (hg19) VCF-style: chr2-88751733-G-T.
Other names: short protein forms P108T.
Identifiers: ClinVar variation 4766120 (VCV004766120.1).

ClinVar aggregate classification (germline): Uncertain significance (1 of 4 stars; one submission).

Submission:

Labcorp Genetics (formerly Invitae), Labcorp
Classification: Uncertain significance. Last evaluated: 2026-01-18. Review status: criteria provided, single submitter. Criteria: Invitae Variant Classification Sherloc (09022015). Collection method: clinical testing. Allele origin: germline.
Comment: This sequence change replaces proline, which is neutral and non-polar, with threonine, which is neutral and polar, at codon 108 of the FOXI3 protein (p.Pro108Thr). This variant is not present in population databases (gnomAD no frequency). This variant has not been reported in the literature in individuals affected with FOXI3-related conditions. Experimental studies and prediction algorithms are not available or were not evaluated, and the functional significance of this variant is currently unknown. In summary, the available evidence is currently insufficient to determine the role of this variant in disease. Therefore, it has been classified as a Variant of Uncertain Significance.